The following is an entry in ClinVar:

NM_003126.4(SPTA1):c.1406_1408del (p.His469del)

Gene: SPTA1 (spectrin alpha, erythrocytic 1; minus strand). Cytogenetic location: 1q23.1.
Variant type: Deletion.
Coding change: c.1406_1408del on transcript NM_003126.4 (MANE Select); coding-DNA positions 1406 to 1408, 3 bases deleted (ATC; older notation c.1406_1408delATC).
Protein change: p.His469del; deletes histidine 469.
Molecular consequence: inframe deletion.
Genome position (GRCh38, 1-based): chr1:158,672,139-158,672,141, GAT deleted on the plus strand (ATC on the coding strand, the reverse complement: SPTA1 is on the minus strand); deleting any 3 consecutive bases within chr1:158,672,139-158,672,143 gives the same sequence; the c. name uses the placement nearest the transcript's 3' end. VCF-style (leftmost placement, unchanged base first): chr1-158672138-CGAT-C. GRCh37 (hg19) VCF-style: chr1-158641928-CGAT-C.
Other names: short protein forms H469del.
Identifiers: ClinVar variation 1163665 (VCV001163665.17), dbSNP rs775280006, ClinGen allele CA1183779.

ClinVar aggregate classification (germline): Conflicting classifications of pathogenicity. Review status: criteria provided, conflicting classifications (1 of 4 stars). 5 submissions from 5 submitters: Likely pathogenic (4); Uncertain significance (1). Last evaluated 2026-01-13.

Conditions:
SPTA1-related disorder. Also called: SPTA1-related condition; SPTA1-related disorders.

Submissions (5):

PreventionGenetics, part of Exact Sciences
Classification: Likely pathogenic for SPTA1-related condition. Last evaluated: 2026-01-13. Review status: criteria provided, single submitter. Criteria: ACMG Guidelines, 2015. Collection method: clinical testing. Allele origin: germline.
Comment: The SPTA1 c.1406_1408delATC variant is predicted to result in an in-frame deletion (p.His469del). This variant has been reported in individuals with hereditary pyropoikilocytosis (Gallagher et al. 1993. PubMed ID: 8400271; Niss et al. 2016. PubMed ID: 27667160). This variant is reported in 0.019% of alleles in individuals of African descent in gnomAD. This variant is interpreted as likely pathogenic.

Revvity Omics, Revvity
Classification: Likely pathogenic. Last evaluated: 2024-11-20. Review status: criteria provided, single submitter. Criteria: ACMG Guidelines, 2015. Collection method: clinical testing. Allele origin: germline.

Blueprint Genetics
Classification: Likely pathogenic for SPTA1-related disorders. Last evaluated: 2024-02-19. Review status: criteria provided, single submitter. Criteria: ACMG Guidelines, 2015. Collection method: clinical testing. Allele origin: germline. Affected: yes. Observed: 3 variant alleles.

Mayo Clinic Laboratories, Mayo Clinic
Classification: Likely pathogenic. Last evaluated: 2023-11-06. Review status: criteria provided, single submitter. Criteria: ACMG Guidelines, 2015. Collection method: clinical testing. Allele origin: germline.

Labcorp Genetics (formerly Invitae), Labcorp
Classification: Uncertain significance. Last evaluated: 2023-02-03. Review status: criteria provided, single submitter. Criteria: Invitae Variant Classification Sherloc (09022015). Collection method: clinical testing. Allele origin: germline.
Comment: Experimental studies and prediction algorithms are not available or were not evaluated, and the functional significance of this variant is currently unknown. In summary, the available evidence is currently insufficient to determine the role of this variant in disease. Therefore, it has been classified as a Variant of Uncertain Significance. ClinVar contains an entry for this variant (Variation ID: 1163665). This variant has been observed in individual(s) with SPTA1-related conditions (PMID: 8400271, 27667160). This variant is present in population databases (rs775280006, gnomAD 0.02%). This variant, c.1406_1408del, results in the deletion of 1 amino acid(s) of the SPTA1 protein (p.His469del), but otherwise preserves the integrity of the reading frame.

Literature cited by the submitters: PubMed 27667160 (cited by Mayo Clinic Laboratories, Mayo Clinic and Labcorp Genetics (formerly Invitae), Labcorp); PubMed 32590416 (cited by Mayo Clinic Laboratories, Mayo Clinic); PubMed 8400271 (cited by Mayo Clinic Laboratories, Mayo Clinic and Labcorp Genetics (formerly Invitae), Labcorp).